The following is an entry in ClinVar:

ClinVar aggregate classification (germline): Uncertain significance (1 of 4 stars; one submission).

Allele frequency attached by ClinVar (database versions not stated): gnomAD exomes 0.00001.
gnomAD v4.1: 8 of 1,614,124 alleles (0.0005%); highest among the groups gnomAD compares: Non-Finnish European, 0.00051%; no homozygotes.

Submission:

Labcorp Genetics (formerly Invitae), Labcorp
Classification: Uncertain significance. Last evaluated: 2022-04-26. Review status: criteria provided, single submitter. Criteria: Invitae Variant Classification Sherloc (09022015). Collection method: clinical testing. Allele origin: germline.
Comment: In summary, the available evidence is currently insufficient to determine the role of this variant in disease. Therefore, it has been classified as a Variant of Uncertain Significance. Algorithms developed to predict the effect of missense changes on protein structure and function (SIFT, PolyPhen-2, Align-GVGD) all suggest that this variant is likely to be tolerated. This variant has not been reported in the literature in individuals affected with GFAP-related conditions. This variant is present in population databases (no rsID available, gnomAD 0.01%). This sequence change replaces alanine, which is neutral and non-polar, with valine, which is neutral and non-polar, at codon 182 of the GFAP protein (p.Ala182Val).

NM_002055.5(GFAP):c.545C>T (p.Ala182Val)

Gene: GFAP (glial fibrillary acidic protein; minus strand). Cytogenetic location: 17q21.31.
Variant type: single nucleotide variant.
Coding change: c.545C>T on transcript NM_002055.5 (MANE Select); coding-DNA position 545, C replaced by T.
Protein change: p.Ala182Val; replaces alanine 182 with valine.
Molecular consequence: missense variant.
Genome position (GRCh38, 1-based): chr17:44,913,801, G>A on the plus strand (C>T on the coding strand, the complement: GFAP is on the minus strand). VCF-style: chr17-44913801-G-A. GRCh37 (hg19) VCF-style: chr17-42991169-G-A.
Other names: c.545C>T, p.Ala182Val (NM_001131019.3, NM_001242376.3, NM_001363846.2); short protein forms A182V.
Identifiers: ClinVar variation 2063950 (VCV002063950.4), dbSNP rs1347500036, ClinGen allele CA399846735.